The following is an entry in ClinVar:

ClinVar aggregate classification (germline): Benign. Review status: criteria provided, multiple submitters, no conflicts (2 of 4 stars). 18 submissions from 17 submitters: Benign (14). 4 of the submissions do not count toward it. Last evaluated 2026-02-04.

Conditions:
Hereditary cancer-predisposing syndrome. Also called: Tumor predisposition; Hereditary neoplastic syndrome; Hereditary Cancer Syndrome; Neoplastic Syndromes, Hereditary. Identifiers: Orphanet 140162, MedGen C0027672, MeSH D009386, MONDO:0015356.
Hereditary leiomyomatosis and renal cell cancer. Also called: LEIOMYOMA, MULTIPLE CUTANEOUS; Reed syndrome; Multiple cutaneous and uterine leiomyomatosis; Cutaneous leiomyomata with uterine leiomyomata; Leiomyoma, hereditary multiple, of skin; Multiple cutaneous and uterine leiomyomata. Identifiers: Orphanet 523, MedGen C1708350, MONDO:0007888, OMIM 150800, HP:0007437. Disease mechanism: loss of function.
Fumarase deficiency (FMRD). Also called: Fumarate Hydratase Deficiency; Fumaric aciduria. Identifiers: Orphanet 24, MedGen C0342770, MONDO:0011730, OMIM 606812.

Allele frequency attached by ClinVar (database versions not stated): gnomAD exomes 0.00260 and 0.00692; ExAC 0.00868; gnomAD 0.02702 and 0.02876; ESP Exome Variant Server 0.02991; TOPMed 0.03089; 1000 Genomes Project 0.03375; 1000 Genomes Project 30x 0.03670.
gnomAD v4.1: 8,025 of 1,613,946 alleles (0.5%); highest among the groups gnomAD compares: African/African-American, 9.6%; 397 homozygotes.

Submissions (18):

Labcorp Genetics (formerly Invitae), Labcorp
Classification: Benign. Last evaluated: 2026-02-04. Review status: criteria provided, single submitter. Criteria: Invitae Variant Classification Sherloc (09022015). Collection method: clinical testing. Allele origin: germline.

Quest Diagnostics Nichols Institute San Juan Capistrano
Classification: Benign. Last evaluated: 2025-05-23. Review status: criteria provided, single submitter. Criteria: Quest Diagnostics criteria. Collection method: clinical testing. Allele origin: unknown.

ARUP Laboratories, Molecular Genetics and Genomics, ARUP Laboratories
Classification: Benign. Last evaluated: 2025-05-01. Review status: criteria provided, single submitter. Criteria: ARUP Molecular Germline Variant Investigation Process 2024. Collection method: clinical testing. Allele origin: germline.

Center for Genomic Medicine, Rigshospitalet, Copenhagen University Hospital
Classification: Benign. Last evaluated: 2025-03-04. Review status: criteria provided, single submitter. Criteria: ACMG Guidelines, 2015. Collection method: clinical testing. Allele origin: germline.

Myriad Genetics, Inc.
Classification: Benign for Hereditary leiomyomatosis and renal cell cancer. Last evaluated: 2024-10-17. Review status: criteria provided, single submitter. Criteria: Myriad Autosomal Dominant, Autosomal Recessive and X-Linked Classification Criteria (2023). Collection method: clinical testing. Allele origin: unknown.
Comment: This variant is considered benign. This variant is a silent/synonymous amino acid change and it is not expected to impact splicing.

KCCC/NGS Laboratory, Kuwait Cancer Control Center
Classification: Benign for Hereditary leiomyomatosis and renal cell cancer. Last evaluated: 2023-07-07. Review status: criteria provided, single submitter. Criteria: ACMG Guidelines, 2015. Collection method: clinical testing. Allele origin: germline. Affected: yes.

Department of Pathology and Laboratory Medicine, Sinai Health System
Classification: Benign for Hereditary leiomyomatosis and renal cell cancer; Fumarase deficiency. Last evaluated: 2022-09-09. Review status: criteria provided, single submitter. Criteria: ACMG Guidelines, 2015. Collection method: clinical testing. Allele origin: germline. Affected: yes.

Sema4
Classification: Benign for Hereditary cancer-predisposing syndrome. Last evaluated: 2020-02-24. Review status: criteria provided, single submitter. Criteria: Sema4 Curation Guidelines. Collection method: curation. Allele origin: germline.

Illumina Laboratory Services, Illumina
Classification: Benign for Fumarase deficiency. Last evaluated: 2018-01-13. Review status: criteria provided, single submitter. Criteria: ICSL Variant Classification Criteria 13 December 2019. Collection method: clinical testing. Allele origin: germline.
Comment: This variant was observed in the ICSL laboratory as part of a predisposition screen in an ostensibly healthy population. It had not been previously curated by ICSL or reported in the Human Gene Mutation Database (HGMD: prior to June 1st, 2018), and was therefore a candidate for classification through an automated scoring system. Utilizing variant allele frequency, disease prevalence and penetrance estimates, and inheritance mode, an automated score was calculated to assess if this variant is too frequent to cause the disease. Based on the score and internal cut-off values, a variant classified as benign is not then subjected to further curation. The score for this variant resulted in a classification of benign for this disease.

Illumina Laboratory Services, Illumina
Classification: Benign for Hereditary leiomyomatosis and renal cell cancer. Last evaluated: 2018-01-13. Review status: criteria provided, single submitter. Criteria: ICSL Variant Classification Criteria 13 December 2019. Collection method: clinical testing. Allele origin: germline.
Comment: the same text as in the submission from Illumina Laboratory Services, Illumina above.

Women's Health and Genetics/Laboratory Corporation of America, LabCorp
Classification: Benign. Last evaluated: 2016-05-04. Review status: criteria provided, single submitter. Criteria: LabCorp Variant Classification Summary - May 2015. Collection method: clinical testing. Allele origin: germline.
Comment: Variant summary: The FH c.309C>T (p.Ala103Ala) variant affects a non-conserved nucleotide, resulting in a synonymous mutation with 5/5 in silico tools via Alamut predicting the variant not to have an impact on normal splicing. This variant is found in 1054/121380 control chromosomes (55 homozygotes) at a frequency of 0.0086835, which greatly exceeds the maximal expected frequency of a pathogenic allele (0.0000025), suggesting this variant is benign. In addition, clinical diagnostic laboratories classify variant as benign via ClinVar (without evidence to independently evaluate). Taken together, this variant was classified as Benign.

Ambry Genetics
Classification: Benign for Hereditary cancer-predisposing syndrome. Last evaluated: 2014-12-01. Review status: criteria provided, single submitter. Criteria: Ambry Variant Classification Scheme 2023. Collection method: clinical testing. Allele origin: germline.

GeneDx
Classification: Benign. Last evaluated: 2013-04-22. Review status: criteria provided, single submitter. Criteria: GeneDx Variant Classification (06012015). Collection method: clinical testing. Allele origin: germline. Affected: yes.
Comment: This variant is considered likely benign or benign based on one or more of the following criteria: it is a conservative change, it occurs at a poorly conserved position in the protein, it is predicted to be benign by multiple in silico algorithms, and/or has population frequency not consistent with disease.

Breakthrough Genomics
Classification: Benign. Review status: criteria provided, single submitter. Criteria: ACMG Guidelines, 2015. Collection method: not provided. Allele origin: germline. Inheritance: Autosomal recessive inheritance. Affected: yes.

Natera, Inc.
Classification: Benign for Fumarase deficiency. Last evaluated: 2020-09-16. Review status: no assertion criteria provided. Collection method: clinical testing. Allele origin: germline. Not counted in ClinVar's aggregate classification.

Mayo Clinic Laboratories, Mayo Clinic
Classification: Benign. Last evaluated: 2017-08-04. Review status: no assertion criteria provided. Collection method: clinical testing. Allele origin: unknown. Not counted in ClinVar's aggregate classification.

Genome Diagnostics Laboratory, Amsterdam University Medical Center
Classification: Benign. Review status: no assertion criteria provided. Collection method: clinical testing. Allele origin: germline. Affected: yes. Study: VKGL Data-share Consensus. Not counted in ClinVar's aggregate classification.

Joint Genome Diagnostic Labs from Nijmegen and Maastricht, Radboudumc and MUMC+
Classification: Benign. Review status: no assertion criteria provided. Collection method: clinical testing. Allele origin: germline. Affected: yes. Study: VKGL Data-share Consensus. Not counted in ClinVar's aggregate classification.

NM_000143.4(FH):c.309C>T (p.Ala103=)

Gene: FH (fumarate hydratase; minus strand). Cytogenetic location: 1q43.
Variant type: single nucleotide variant.
Coding change: c.309C>T on transcript NM_000143.4 (MANE Select); coding-DNA position 309, C replaced by T.
Protein change: p.Ala103=; no amino-acid change (alanine 103 retained).
Molecular consequence: synonymous variant.
Genome position (GRCh38, 1-based): chr1:241,513,672, G>A on the plus strand (C>T on the coding strand, the complement: FH is on the minus strand). VCF-style: chr1-241513672-G-A. GRCh37 (hg19) VCF-style: chr1-241676972-G-A.
Other names: p.A103A:GCC>GCT.
Identifiers: ClinVar variation 137373 (VCV000137373.49), dbSNP rs10926501, ClinGen allele CA187885.
Genomic context (GRCh38, chr1:241,513,672, plus strand): 5'-TGCCTTCATTATTGCATTAGCAATCTTTGGATCAAGACCATAATCCTGGTTTACTTCAGC[G>A]GCCGCTCGCTTCAAGATGCCAAAAGCTTTAATAACTGGGGTCTAAAATTAATCAGAAAAA-3'
Protein context (NP_000134.2, residues 93-113): IKAFGILKRA[Ala103=]AEVNQDYGLD